The following is an entry in ClinVar:

ClinVar aggregate classification (germline): Uncertain significance. Review status: criteria provided, multiple submitters, no conflicts (2 of 4 stars). 3 submissions from 3 submitters: Uncertain significance (3). Last evaluated 2025-02-17.

Conditions:
Arrhythmogenic cardiomyopathy with wooly hair and keratoderma. Also called: Carvajal syndrome; PALMOPLANTAR KERATODERMA WITH LEFT VENTRICULAR CARDIOMYOPATHY AND WOOLLY HAIR; Arrhythmogenic cardiomyopathy with woolly hair and keratoderma; Dilated cardiomyopathy with woolly hair and keratoderma. Identifiers: Orphanet 65282, MedGen C1854063, MONDO:0011581, OMIM 605676.
Arrhythmogenic right ventricular dysplasia 8 (ARVD8). Also called: Arrhythmogenic Right Ventricular Dysplasia/Cardiomyopathy 8; ARRHYTHMOGENIC RIGHT VENTRICULAR CARDIOMYOPATHY 8; ARRHYTHMOGENIC RIGHT VENTRICULAR DYSPLASIA, FAMILIAL, 8. Identifiers: MedGen C1843896, MONDO:0011831, OMIM 607450.
Cardiovascular phenotype. Identifiers: MedGen CN230736.

gnomAD v4.1: 3 of 1,612,968 alleles (0.00019%); highest among the groups gnomAD compares: Non-Finnish European, 0.00025%; no homozygotes.

Submissions (3):

Molecular Diagnostic Laboratory for Inherited Cardiovascular Disease, Montreal Heart Institute
Classification: Uncertain significance for Cardiovascular phenotype. Last evaluated: 2025-02-17. Review status: criteria provided, single submitter. Criteria: ACMG Guidelines, 2015. Collection method: clinical testing. Allele origin: germline. Affected: yes.

Labcorp Genetics (formerly Invitae), Labcorp
Classification: Uncertain significance for Arrhythmogenic cardiomyopathy with wooly hair and keratoderma; Arrhythmogenic right ventricular dysplasia 8. Last evaluated: 2024-09-06. Review status: criteria provided, single submitter. Criteria: Invitae Variant Classification Sherloc (09022015). Collection method: clinical testing. Allele origin: germline.
Comment: This sequence change replaces arginine, which is basic and polar, with glycine, which is neutral and non-polar, at codon 941 of the DSP protein (p.Arg941Gly). This variant is present in population databases (no rsID available, gnomAD 0.007%). This variant has not been reported in the literature in individuals affected with DSP-related conditions. ClinVar contains an entry for this variant (Variation ID: 1429935). An algorithm developed to predict the effect of missense changes on protein structure and function (PolyPhen-2) suggests that this variant is likely to be disruptive. In summary, the available evidence is currently insufficient to determine the role of this variant in disease. Therefore, it has been classified as a Variant of Uncertain Significance.

Blueprint Genetics
Classification: Uncertain significance. Last evaluated: 2022-03-21. Review status: criteria provided, single submitter. Criteria: ACMG Guidelines, 2015. Collection method: clinical testing. Allele origin: germline.

NM_004415.4(DSP):c.2821C>G (p.Arg941Gly)

Gene: DSP (desmoplakin; plus strand). Cytogenetic location: 6p24.3.
Variant type: single nucleotide variant.
Coding change: c.2821C>G on transcript NM_004415.4 (MANE Select); coding-DNA position 2821, C replaced by G.
Protein change: p.Arg941Gly; replaces arginine 941 with glycine.
Molecular consequence: missense variant.
Genome position (GRCh38, 1-based): chr6:7,576,986, C>G. VCF-style: chr6-7576986-C-G. GRCh37 (hg19) VCF-style: chr6-7577219-C-G.
Other names: c.2821C>G (NM_004415.3); c.2821C>G, p.Arg941Gly (NM_001008844.3, NM_001319034.2); short protein forms R941G.
Identifiers: ClinVar variation 1429935 (VCV001429935.10), dbSNP rs730880082, ClinGen allele CA362682218.